The following is an entry in ClinVar:

NM_001376.5(DYNC1H1):c.9936C>T (p.Asn3312=)

Gene: DYNC1H1 (dynein cytoplasmic 1 heavy chain 1; plus strand). Cytogenetic location: 14q32.31.
Variant type: single nucleotide variant.
Coding change: c.9936C>T on transcript NM_001376.5 (MANE Select); coding-DNA position 9936, C replaced by T.
Protein change: p.Asn3312=; no amino-acid change (asparagine 3312 retained).
Molecular consequence: synonymous variant.
Genome position (GRCh38, 1-based): chr14:102,032,324, C>T. VCF-style: chr14-102032324-C-T. GRCh37 (hg19) VCF-style: chr14-102498661-C-T.
Identifiers: ClinVar variation 512696 (VCV000512696.11), dbSNP rs1258233095, ClinGen allele CA487966828.

ClinVar aggregate classification (germline): Likely benign. Review status: criteria provided, multiple submitters, no conflicts (2 of 4 stars). 4 submissions from 4 submitters: Likely benign (4). Last evaluated 2022-12-26.

Conditions:
Inborn genetic diseases. Identifiers: MedGen C0950123, MeSH D030342.
Charcot-Marie-Tooth disease axonal type 2O. Also called: Charcot-Marie-Tooth Neuropathy Type 2O; CHARCOT-MARIE-TOOTH NEUROPATHY, AXONAL, TYPE 2O; CHARCOT-MARIE-TOOTH DISEASE, AXONAL, AUTOSOMAL DOMINANT, TYPE 2O; Charcot-Marie-Tooth disease, axonal, type 20. Identifiers: Orphanet 284232, MedGen C3280220, MONDO:0013644, OMIM 614228.

Allele frequency attached by ClinVar (database versions not stated): gnomAD exomes below 0.00001 and 0.00001; TOPMed below 0.00001; gnomAD 0.00001.
gnomAD v4.1: 15 of 1,614,082 alleles (0.00093%); highest among the groups gnomAD compares: Non-Finnish European, 0.0013%; no homozygotes.

Submissions (4):

Labcorp Genetics (formerly Invitae), Labcorp
Classification: Likely benign for Charcot-Marie-Tooth disease axonal type 2O. Last evaluated: 2022-12-26. Review status: criteria provided, single submitter. Criteria: Invitae Variant Classification Sherloc (09022015). Collection method: clinical testing. Allele origin: germline.

Blueprint Genetics
Classification: Likely benign. Last evaluated: 2020-08-17. Review status: criteria provided, single submitter. Criteria: ACMG Guidelines, 2015. Collection method: clinical testing. Allele origin: germline.

GeneDx
Classification: Likely benign. Last evaluated: 2017-10-17. Review status: criteria provided, single submitter. Criteria: GeneDx Variant Classification (06012015). Collection method: clinical testing. Allele origin: germline. Affected: yes.
Comment: This variant is considered likely benign or benign based on one or more of the following criteria: it is a conservative change, it occurs at a poorly conserved position in the protein, it is predicted to be benign by multiple in silico algorithms, and/or has population frequency not consistent with disease.

Ambry Genetics
Classification: Likely benign for Inborn genetic diseases. Last evaluated: 2017-01-19. Review status: criteria provided, single submitter. Criteria: Ambry Variant Classification Scheme 2023. Collection method: clinical testing. Allele origin: germline.